The following is an entry in ClinVar:

NM_001204.7(BMPR2):c.1597C>T (p.His533Tyr)

Gene: BMPR2 (bone morphogenetic protein receptor type 2; plus strand). Cytogenetic location: 2q33.2.
Variant type: single nucleotide variant.
Coding change: c.1597C>T on transcript NM_001204.7 (MANE Select); coding-DNA position 1597, C replaced by T.
Protein change: p.His533Tyr; replaces histidine 533 with tyrosine.
Molecular consequence: missense variant.
Genome position (GRCh38, 1-based): chr2:202,555,262, C>T. VCF-style: chr2-202555262-C-T. GRCh37 (hg19) VCF-style: chr2-203419985-C-T.
Other names: short protein forms H533Y.
Identifiers: ClinVar variation 3992141 (VCV003992141.1).

ClinVar aggregate classification (germline): Uncertain significance (1 of 4 stars; one submission).

Conditions:
Inborn genetic diseases. Identifiers: MedGen C0950123, MeSH D030342.

Submission:

Ambry Genetics
Classification: Uncertain significance for Inborn genetic diseases. Last evaluated: 2025-05-01. Review status: criteria provided, single submitter. Criteria: Ambry Variant Classification Scheme 2023. Collection method: clinical testing. Allele origin: germline.
Comment: The p.H533Y variant (also known as c.1597C>T), located in coding exon 12 of the BMPR2 gene, results from a C to T substitution at nucleotide position 1597. The histidine at codon 533 is replaced by tyrosine, an amino acid with similar properties. This amino acid position is conserved. In addition, the in silico prediction for this alteration is inconclusive. Based on the available evidence, the clinical significance of this variant remains unclear.